The following is an entry in ClinVar:

ClinVar aggregate classification (germline): Uncertain significance (1 of 4 stars; one submission).

Conditions:
Autoimmune lymphoproliferative syndrome type 2B. Also called: AUTOIMMUNE LYMPHOPROLIFERATIVE SYNDROME, TYPE IIB. Identifiers: Orphanet 275517, MedGen C1846545, MONDO:0011804, OMIM 607271.

Submission:

Labcorp Genetics (formerly Invitae), Labcorp
Classification: Uncertain significance for Autoimmune lymphoproliferative syndrome type 2B. Last evaluated: 2023-07-07. Review status: criteria provided, single submitter. Criteria: Invitae Variant Classification Sherloc (09022015). Collection method: clinical testing. Allele origin: germline.
Comment: This variant is not present in population databases (gnomAD no frequency). This variant has not been reported in the literature in individuals affected with CASP8-related conditions. Advanced modeling of protein sequence and biophysical properties (such as structural, functional, and spatial information, amino acid conservation, physicochemical variation, residue mobility, and thermodynamic stability) performed at Invitae indicates that this missense variant is not expected to disrupt CASP8 protein function. In summary, the available evidence is currently insufficient to determine the role of this variant in disease. Therefore, it has been classified as a Variant of Uncertain Significance. This sequence change replaces serine, which is neutral and polar, with asparagine, which is neutral and polar, at codon 202 of the CASP8 protein (p.Ser202Asn).

NM_001372051.1(CASP8):c.509G>A (p.Ser170Asn)

Gene: CASP8 (caspase 8; plus strand). Cytogenetic location: 2q33.1.
Variant type: single nucleotide variant.
Coding change: c.509G>A on transcript NM_001372051.1 (MANE Select); coding-DNA position 509, G replaced by A.
Protein change: p.Ser170Asn; replaces serine 170 with asparagine.
Molecular consequence: missense variant. On other transcripts: 5 prime UTR variant (11), non-coding transcript variant (22).
Genome position (GRCh38, 1-based): chr2:201,272,735, G>A. VCF-style: chr2-201272735-G-A. GRCh37 (hg19) VCF-style: chr2-202137458-G-A.
Other names: c.509G>A, p.Ser170Asn (NM_001080124.2, NM_001400645.1, NM_001400648.1 and 20 more transcripts); c.686G>A, p.Ser229Asn (NM_001080125.2, NM_001400642.1, NM_001400665.1); c.605G>A, p.Ser202Asn (NM_001228.5); c.200G>A, p.Ser67Asn (NM_001400669.1); c.-24G>A (NM_001400671.1, NM_001400672.1, NM_001400673.1 and 6 more transcripts); c.-205G>A (NM_001400674.1); c.-103G>A (NM_001400680.1); short protein forms S229N, S170N, S202N, S67N.
Identifiers: ClinVar variation 3010666 (VCV003010666.3), dbSNP rs2470084676, ClinGen allele CA350289463.